The following is an entry in ClinVar:

NM_000135.4(FANCA):c.1536A>C (p.Ser512=)

Gene: FANCA (FA complementation group A; minus strand). Cytogenetic location: 16q24.3.
Variant type: single nucleotide variant.
Coding change: c.1536A>C on transcript NM_000135.4 (MANE Select); coding-DNA position 1536, A replaced by C.
Protein change: p.Ser512=; no amino-acid change (serine 512 retained).
Molecular consequence: synonymous variant.
Genome position (GRCh38, 1-based): chr16:89,783,037, T>G on the plus strand (A>C on the coding strand, the complement: FANCA is on the minus strand). VCF-style: chr16-89783037-T-G. GRCh37 (hg19) VCF-style: chr16-89849445-T-G.
Other names: c.1536A>C, p.Ser512= (NM_001286167.3).
Identifiers: ClinVar variation 701331 (VCV000701331.32), dbSNP rs766580461, ClinGen allele CA8252279.
Genomic context (GRCh38, chr16:89,783,037, plus strand): 5'-GTGAGGAGTGGGCATGGAGGGACAGCTTGCCTTGAGGTCGGCCAGCCGTGTCTTGGCCAA[T>G]GAGATGTAGTCTGTGAGGAGGGAGCGGTACTTGCCGGGAACCAGGGGTGGGTGGAGAATG-3'
Protein context (NP_000126.2, residues 502-522): KYRSLLTDYI[Ser512=]LAKTRLADLK

ClinVar aggregate classification (germline): Likely benign. Review status: criteria provided, multiple submitters, no conflicts (2 of 4 stars). 3 submissions from 3 submitters: Likely benign (3). Last evaluated 2026-01-20.

Conditions:
Inborn genetic diseases. Identifiers: MedGen C0950123, MeSH D030342.
Fanconi anemia (FA). Also called: Fanconi's anemia. Identifiers: Orphanet 84, MedGen C0015625, MeSH D005199, MONDO:0019391.

Allele frequency attached by ClinVar (database versions not stated): ExAC 0.00002; TOPMed 0.00008; gnomAD 0.00011 and 0.00012.

Submissions (3):

Labcorp Genetics (formerly Invitae), Labcorp
Classification: Likely benign for Fanconi anemia. Last evaluated: 2026-01-20. Review status: criteria provided, single submitter. Criteria: Invitae Variant Classification Sherloc (09022015). Collection method: clinical testing. Allele origin: germline.

Ambry Genetics
Classification: Likely benign for Inborn genetic diseases. Last evaluated: 2024-11-23. Review status: criteria provided, single submitter. Criteria: Ambry Variant Classification Scheme 2023. Collection method: clinical testing. Allele origin: germline.

CeGaT Center for Human Genetics Tuebingen
Classification: Likely benign. Last evaluated: 2023-12-01. Review status: criteria provided, single submitter. Criteria: CeGaT Center For Human Genetics Tuebingen Variant Classification Criteria Version 2. Collection method: clinical testing. Allele origin: germline. Affected: yes. Observed: 1 variant allele.
Comment: FANCA: BP4, BP7